The following is an entry in ClinVar:

ClinVar aggregate classification (germline): Pathogenic. Review status: criteria provided, multiple submitters, no conflicts (2 of 4 stars). 4 submissions from 4 submitters: Pathogenic (3). 1 of the submissions does not count toward it. Last evaluated 2023-03-04.

Conditions:
Ear malformation. Also called: CUP EAR; Abnormality of the ear. Identifiers: MedGen C0266589, MONDO:0007500, OMIM 128600, HP:0000598.
Usher syndrome type 2A. Also called: RETINAL DISEASE IN USHER SYNDROME TYPE IIA, MODIFIER OF; USHER SYNDROME, TYPE IIA. Identifiers: Orphanet 231178, Orphanet 886, MedGen C1848634, MONDO:0010169, OMIM 276901.
Retinitis pigmentosa 39 (RP39). Identifiers: Orphanet 791, MedGen C3151138, MONDO:0013436, OMIM 613809.

Submissions (4):

Labcorp Genetics (formerly Invitae), Labcorp
Classification: Pathogenic. Last evaluated: 2023-03-04. Review status: criteria provided, single submitter. Criteria: Invitae Variant Classification Sherloc (09022015). Collection method: clinical testing. Allele origin: germline.
Comment: This sequence change creates a premature translational stop signal (p.Gln2501*) in the USH2A gene. It is expected to result in an absent or disrupted protein product. Loss-of-function variants in USH2A are known to be pathogenic (PMID: 10729113, 10909849, 20507924, 25649381). This variant is not present in population databases (gnomAD no frequency). This variant has not been reported in the literature in individuals affected with USH2A-related conditions. ClinVar contains an entry for this variant (Variation ID: 560525). For these reasons, this variant has been classified as Pathogenic.

Baylor Genetics
Classification: Pathogenic for Retinitis pigmentosa 39. Last evaluated: 2022-04-27. Review status: criteria provided, single submitter. Criteria: ACMG Guidelines, 2015. Collection method: clinical testing. Allele origin: unknown.

Kariminejad - Najmabadi Pathology & Genetics Center
Classification: Pathogenic for Ear malformation. Last evaluated: 2021-07-10. Review status: criteria provided, single submitter. Criteria: ACMG Guidelines, 2015. Collection method: clinical testing. Allele origin: germline. Affected: yes.

Joint Genome Diagnostic Labs from Nijmegen and Maastricht, Radboudumc and MUMC+
Classification: Pathogenic for Usher syndrome type 2A. Last evaluated: 2016-09-01. Review status: no assertion criteria provided. Collection method: clinical testing. Allele origin: unknown. Affected: yes. Observed: 1 variant allele. Not counted in ClinVar's aggregate classification.

Literature cited by the submitters: PubMed 10729113 (cited by Labcorp Genetics (formerly Invitae), Labcorp); PubMed 10909849 (cited by Labcorp Genetics (formerly Invitae), Labcorp); PubMed 20507924 (cited by Labcorp Genetics (formerly Invitae), Labcorp); PubMed 25649381 (cited by Labcorp Genetics (formerly Invitae), Labcorp).

NM_206933.4(USH2A):c.7501C>T (p.Gln2501Ter)

Gene: USH2A (usherin; minus strand). Cytogenetic location: 1q41.
Variant type: single nucleotide variant.
Coding change: c.7501C>T on transcript NM_206933.4 (MANE Select); coding-DNA position 7501, C replaced by T.
Protein change: p.Gln2501Ter; replaces glutamine 2501 with a stop codon.
Molecular consequence: nonsense.
Genome position (GRCh38, 1-based): chr1:215,900,168, G>A on the plus strand (C>T on the coding strand, the complement: USH2A is on the minus strand). VCF-style: chr1-215900168-G-A. GRCh37 (hg19) VCF-style: chr1-216073510-G-A.
Other names: short protein forms Q2501*.
Identifiers: ClinVar variation 560525 (VCV000560525.27), dbSNP rs1558151555, ClinGen allele CA344848462.
Genomic context (GRCh38, chr1:215,900,168, plus strand): 5'-TATGTGCACTGCCAAATCCATTGGAGGCAACCAACCGAAACATATACTCTGTGTACGGTT[G>A]GAGATCACTCACTTCATAGCTTAACGATGCAGAAGGATTGGAAAATAACCTGTATGGGAA-3'